The following is an entry in ClinVar:

NM_001171.6(ABCC6):c.2995+5G>A

Gene: ABCC6 (ATP binding cassette subfamily C member 6; minus strand). Cytogenetic location: 16p13.11.
Variant type: single nucleotide variant.
Coding change: c.2995+5G>A on transcript NM_001171.6 (MANE Select); 5 bases into the intron after coding-DNA position 2995, G replaced by A.
Molecular consequence: intron variant.
Genome position (GRCh38, 1-based): chr16:16,169,641, C>T on the plus strand (G>A on the coding strand, the complement: ABCC6 is on the minus strand). VCF-style: chr16-16169641-C-T. GRCh37 (hg19) VCF-style: chr16-16263498-C-T.
Other names: c.2653+5G>A (NM_001351800.1).
Identifiers: ClinVar variation 1005209 (VCV001005209.5), dbSNP rs1158056430, ClinGen allele CA621207053.

ClinVar aggregate classification (germline): Uncertain significance. Review status: criteria provided, multiple submitters, no conflicts (2 of 4 stars). 2 submissions from 2 submitters: Uncertain significance (2). Last evaluated 2024-07-15.

Allele frequency attached by ClinVar (database versions not stated): gnomAD 0.00001; TOPMed 0.00001.
gnomAD v4.1: 15 of 1,610,098 alleles (0.00093%); highest among the groups gnomAD compares: Non-Finnish European, 0.0012%; no homozygotes.

Submissions (2):

Blueprint Genetics
Classification: Uncertain significance. Last evaluated: 2024-07-15. Review status: criteria provided, single submitter. Criteria: ACMG Guidelines, 2015. Collection method: clinical testing. Allele origin: germline.

Labcorp Genetics (formerly Invitae), Labcorp
Classification: Uncertain significance. Last evaluated: 2022-05-13. Review status: criteria provided, single submitter. Criteria: Invitae Variant Classification Sherloc (09022015). Collection method: clinical testing. Allele origin: germline.
Comment: This sequence change falls in intron 22 of the ABCC6 gene. It does not directly change the encoded amino acid sequence of the ABCC6 protein. It affects a nucleotide within the consensus splice site. This variant is not present in population databases (gnomAD no frequency). This variant has not been reported in the literature in individuals affected with ABCC6-related conditions. ClinVar contains an entry for this variant (Variation ID: 1005209). Variants that disrupt the consensus splice site are a relatively common cause of aberrant splicing (PMID: 17576681, 9536098). Algorithms developed to predict the effect of sequence changes on RNA splicing suggest that this variant is not likely to affect RNA splicing. In summary, the available evidence is currently insufficient to determine the role of this variant in disease. Therefore, it has been classified as a Variant of Uncertain Significance.

Literature cited by the submitters: PubMed 17576681 (cited by Labcorp Genetics (formerly Invitae), Labcorp); PubMed 9536098 (cited by Labcorp Genetics (formerly Invitae), Labcorp).